The following is an entry in ClinVar:

NM_001082486.2(ACD):c.382A>C (p.Thr128Pro)

Gene: ACD (ACD shelterin complex subunit and telomerase recruitment factor; minus strand). Cytogenetic location: 16q22.1.
Variant type: single nucleotide variant.
Coding change: c.382A>C on transcript NM_001082486.2 (MANE Select); coding-DNA position 382, A replaced by C.
Protein change: p.Thr128Pro; replaces threonine 128 with proline.
Molecular consequence: missense variant.
Genome position (GRCh38, 1-based): chr16:67,659,568, T>G on the plus strand (A>C on the coding strand, the complement: ACD is on the minus strand). VCF-style: chr16-67659568-T-G. GRCh37 (hg19) VCF-style: chr16-67693471-T-G.
Other names: c.382A>C, p.Thr128Pro (NM_001410884.1); c.373A>C, p.Thr125Pro (NM_022914.3); short protein forms T128P, T125P.
Identifiers: ClinVar variation 1753362 (VCV001753362.2), dbSNP rs748654119, ClinGen allele CA396355341.

ClinVar aggregate classification (germline): Uncertain significance (1 of 4 stars; one submission).

Conditions:
Inborn genetic diseases. Identifiers: MedGen C0950123, MeSH D030342.

Submission:

Ambry Genetics
Classification: Uncertain significance for Inborn genetic diseases. Last evaluated: 2022-09-03. Review status: criteria provided, single submitter. Criteria: Ambry Variant Classification Scheme 2023. Collection method: clinical testing. Allele origin: germline.
Comment: The p.T214P variant (also known as c.640A>C), located in coding exon 4 of the ACD gene, results from an A to C substitution at nucleotide position 640. The threonine at codon 214 is replaced by proline, an amino acid with highly similar properties. This amino acid position is conserved. In addition, this alteration is predicted to be tolerated by in silico analysis. Since supporting evidence is limited at this time, the clinical significance of this alteration remains unclear.